The following is an entry in ClinVar:

ClinVar aggregate classification (germline): Conflicting classifications of pathogenicity. Review status: criteria provided, conflicting classifications (1 of 4 stars). 2 submissions from 2 submitters: Uncertain significance (1); Likely benign (1). Last evaluated 2025-05-14.

Conditions:
Hereditary cancer-predisposing syndrome. Also called: Hereditary neoplastic syndrome; Neoplastic Syndromes, Hereditary; Tumor predisposition; Hereditary Cancer Syndrome. Identifiers: Orphanet 140162, MedGen C0027672, MeSH D009386, MONDO:0015356.
Tuberous sclerosis 1 (TSC1). Identifiers: Orphanet 805, MedGen C1854465, MONDO:0008612, OMIM 191100.

Allele frequency attached by ClinVar (database versions not stated): gnomAD exomes below 0.00001 and 0.00001.
gnomAD v4.1: 2 of 1,614,064 alleles (0.00012%); highest among the groups gnomAD compares: Non-Finnish European, 0.00017%; no homozygotes.

Submissions (2):

Labcorp Genetics (formerly Invitae), Labcorp
Classification: Likely benign for Tuberous sclerosis 1. Last evaluated: 2025-05-14. Review status: criteria provided, single submitter. Criteria: Invitae Variant Classification Sherloc (09022015). Collection method: clinical testing. Allele origin: germline.

Ambry Genetics
Classification: Uncertain significance for Hereditary cancer-predisposing syndrome. Last evaluated: 2023-10-25. Review status: criteria provided, single submitter. Criteria: Ambry Variant Classification Scheme 2023. Collection method: clinical testing. Allele origin: germline.
Comment: The p.P418H variant (also known as c.1253C>A), located in coding exon 10 of the TSC1 gene, results from a C to A substitution at nucleotide position 1253. The proline at codon 418 is replaced by histidine, an amino acid with similar properties. This amino acid position is not well conserved in available vertebrate species. In addition, this alteration is predicted to be tolerated by in silico analysis. Since supporting evidence is limited at this time, the clinical significance of this alteration remains unclear.

NM_000368.5(TSC1):c.1253C>A (p.Pro418His)

Gene: TSC1 (TSC complex subunit 1; minus strand). Cytogenetic location: 9q34.13.
Variant type: single nucleotide variant.
Coding change: c.1253C>A on transcript NM_000368.5 (MANE Select); coding-DNA position 1253, C replaced by A.
Protein change: p.Pro418His; replaces proline 418 with histidine.
Molecular consequence: missense variant.
Genome position (GRCh38, 1-based): chr9:132,910,581, G>T on the plus strand (C>A on the coding strand, the complement: TSC1 is on the minus strand). VCF-style: chr9-132910581-G-T. GRCh37 (hg19) VCF-style: chr9-135785968-G-T.
Other names: c.1250C>A, p.Pro417His (NM_001162426.2); c.1100C>A, p.Pro367His (NM_001162427.2); c.890C>A, p.Pro297His (NM_001362177.2); short protein forms P418H, P417H, P297H, P367H.
Identifiers: ClinVar variation 411231 (VCV000411231.9), dbSNP rs997339959, ClinGen allele CA16612640.